The following is an entry in ClinVar:

ClinVar aggregate classification (germline): Likely pathogenic (1 of 4 stars; one submission).

Conditions:
Stickler syndrome type 2 (STL2). Also called: COL11A1-Related Stickler Syndrome; STICKLER SYNDROME, BEADED VITREOUS TYPE; STICKLER SYNDROME, VITREOUS TYPE 2; STICKLER SYNDROME, TYPE II. Identifiers: Orphanet 828, Orphanet 90654, MedGen C1858084, MONDO:0011493, OMIM 604841.

Submission:

Knight Diagnostic Laboratories, Oregon Health and Sciences University
Classification: Likely pathogenic for Stickler syndrome type 2. Last evaluated: 2021-08-05. Review status: criteria provided, single submitter. Criteria: ACMG Guidelines, 2015. Collection method: clinical testing. Allele origin: paternal, unknown, maternal. Inheritance: Autosomal dominant inheritance. Affected: yes. Observed: 1 heterozygote.
Comment: To our knowledge, the missense variant c.3512G>A (p.Gly1171Asp) in COL11A1 has not been reported in an affected individual. This variant was not detected in a large population database (gnomAD). This variant is located in a triple helical region of this protein and occurs in an important glycine residue of the Gly-X-Y repeat motif that is essential for the formation of the helix and for normal protein folding in collagens (Shoulders and Raines 2009). In a study looking at the effects of missense mutations reported in osteogenesis imperfecta cases that occur in the Gly residue of this motif in collagen genes of a related collagen protein (type I), it was found that Asp was the most destabilizing substitution. However, there are other factors such as location of the motif that may also have an effect (Beck et al. 2000). In further evidence of the importance of the glycine residue in this region, all ClinVar reported pathogenic or likely pathogenic missense variants in this gene occur in glycine residues in this triple helical region with 5/13 being Asp substitutions (ClinVar). There have also been additional reported missense variants that occur in the Gly residue in this motif in COL11A1 in affected individuals (Kohmoto et al. 2016). However, there are also missense variants in glycine residues in this region that have been classified as uncertain significance (ClinVar). Consensus of computational algorithms are damaging for this variant (SIFT=0.0, Polyphen=1, CADD=22.500, GERP=5.72). This variant has been shown to segregate with disease in several affected family members (KDL internal data). In summary, this variant meets our criteria for likely pathogenic.

Literature cited by the submitters: PubMed 19344236; PubMed 10725403; PubMed 27081569.

NM_001854.4(COL11A1):c.3512G>A (p.Gly1171Asp)

Gene: COL11A1 (collagen type XI alpha 1 chain; minus strand). Cytogenetic location: 1p21.1.
Variant type: single nucleotide variant.
Coding change: c.3512G>A on transcript NM_001854.4 (MANE Select); coding-DNA position 3512, G replaced by A.
Protein change: p.Gly1171Asp; replaces glycine 1171 with aspartic acid.
Molecular consequence: missense variant. On other transcripts: non-coding transcript variant (1).
Genome position (GRCh38, 1-based): chr1:102,934,537, C>T on the plus strand (G>A on the coding strand, the complement: COL11A1 is on the minus strand). VCF-style: chr1-102934537-C-T. GRCh37 (hg19) VCF-style: chr1-103400093-C-T.
Other names: p.Gly1171Asp; c.3164G>A, p.Gly1055Asp (NM_001168249.1, NM_080630.4); c.3395G>A, p.Gly1132Asp (NM_001190709.2); c.3548G>A, p.Gly1183Asp (NM_080629.3); short protein forms G1055D, G1132D, G1171D, G1183D.
Identifiers: ClinVar variation 2446721 (VCV002446721.2), dbSNP rs2524688567, ClinGen allele CA341168114.
Genomic context (GRCh38, chr1:102,934,537, plus strand): 5'-GGGAAGCCTCTGGCACCCTCATCACCTTTTTGCCCAAACATCCCCTGCTGTCCTCTAGGA[C>T]CTGGTTCACCATCACCTCCCTAGAGAAGAGAAAGAAACATTATCACAAACTGGAAAAAAT-3'
Protein context (NP_001845.3, residues 1161-1181): PGIAGGDGEP[Gly1171Asp]PRGQQGMFGQ